The following is an entry in ClinVar:

NM_006060.6(IKZF1):c.1519_1523dup (p.Ile509fs)

Gene: IKZF1 (IKAROS family zinc finger 1; plus strand). Cytogenetic location: 7p12.2.
Variant type: Duplication.
Coding change: c.1519_1523dup on transcript NM_006060.6 (MANE Select); coding-DNA positions 1519 to 1523, 5 bases duplicated (TCGCA; older notation c.1519_1523dupTCGCA).
Protein change: p.Ile509fs; shifts the reading frame from isoleucine 509.
Molecular consequence: frameshift variant.
Genome position (GRCh38, 1-based): chr7:50,400,586-50,400,590, TCGCA duplicated. VCF-style (leftmost placement, unchanged base first): chr7-50400585-G-GTCGCA. GRCh37 (hg19) VCF-style: chr7-50468283-G-GTCGCA.
Other names: c.1393_1397dup, p.Ile467fs (NM_001220765.3, NM_001291837.2); c.1258_1262dup, p.Ile422fs (NM_001291838.2, NM_001220768.2); c.1132_1136dup, p.Ile380fs (NM_001291839.2); c.829_833dup, p.Ile279fs (NM_001291840.1); c.1090_1094dup, p.Ile366fs (NM_001291841.1, NM_001220771.2); c.1060_1064dup, p.Ile356fs (NM_001291842.1); c.964_968dup, p.Ile324fs (NM_001291843.1); c.934_938dup, p.Ile314fs (NM_001291844.1); and 3 more; short protein forms I324fs, I380fs, I509fs, I366fs, I370fs, I467fs, I279fs, I314fs.
Identifiers: ClinVar variation 2771668 (VCV002771668.3), dbSNP rs2538952869, ClinGen allele CA2697557263.

ClinVar aggregate classification (germline): Uncertain significance (1 of 4 stars; one submission).

Submission:

Labcorp Genetics (formerly Invitae), Labcorp
Classification: Uncertain significance. Last evaluated: 2023-10-24. Review status: criteria provided, single submitter. Criteria: Invitae Variant Classification Sherloc (09022015). Collection method: clinical testing. Allele origin: germline.
Comment: This sequence change creates a premature translational stop signal (p.Ile509Argfs*3) in the IKZF1 gene. While this is not anticipated to result in nonsense mediated decay, it is expected to disrupt the last 11 amino acid(s) of the IKZF1 protein. This variant is not present in population databases (gnomAD no frequency). This variant has not been reported in the literature in individuals affected with IKZF1-related conditions. Experimental studies and prediction algorithms are not available or were not evaluated, and the functional significance of this variant is currently unknown. In summary, the available evidence is currently insufficient to determine the role of this variant in disease. Therefore, it has been classified as a Variant of Uncertain Significance.